The following is an entry in ClinVar:

ClinVar aggregate classification (germline): Uncertain significance. Review status: criteria provided, multiple submitters, no conflicts (2 of 4 stars). 8 submissions from 8 submitters: Uncertain significance (7). 1 of the submissions does not count toward it. Last evaluated 2026-02-25.

Conditions:
CDH23-related disorder. Also called: CDH23-related condition; CDH23-related disorders.
Usher syndrome type 1 (USH1). Also called: RETINITIS PIGMENTOSA AND CONGENITAL DEAFNESS. Identifiers: Orphanet 231169, Orphanet 886, MedGen C1568247, MONDO:0010168, OMIM 276900.

Allele frequency attached by ClinVar (database versions not stated): gnomAD 0.00009 and 0.00010; TOPMed 0.00009; ExAC 0.00010; gnomAD exomes 0.00010.
gnomAD v4.1: 115 of 1,613,906 alleles (0.0071%); highest among the groups gnomAD compares: Middle Eastern, 0.033%; no homozygotes.

Submissions (8):

PreventionGenetics, part of Exact Sciences
Classification: Uncertain significance for CDH23-related condition. Last evaluated: 2026-02-25. Review status: criteria provided, single submitter. Criteria: ACMG Guidelines, 2015. Collection method: clinical testing. Allele origin: germline.
Comment: The CDH23 c.7361C>T variant is predicted to result in the amino acid substitution p.Thr2454Met. This variant was reported, along with a second possible causative variant in the same gene, in individuals with hearing loss (Jung et al. 2017. PubMed ID: 28383030; supplementary data, Cesca et al. 2020. PubMed ID: 32467589). This variant is reported in 0.033% of alleles in individuals of South Asian descent in gnomAD. At this time, the clinical significance of this variant is uncertain due to the absence of conclusive functional and genetic evidence.

CeGaT Center for Human Genetics Tuebingen
Classification: Uncertain significance. Last evaluated: 2025-10-01. Review status: criteria provided, single submitter. Criteria: CeGaT Center For Human Genetics Tuebingen Variant Classification Criteria Version 2. Collection method: clinical testing. Allele origin: germline. Affected: yes. Observed: 1 variant allele.
Comment: CDH23: PM2

Women's Health and Genetics/Laboratory Corporation of America, LabCorp
Classification: Uncertain significance. Last evaluated: 2025-07-07. Review status: criteria provided, single submitter. Criteria: LabCorp Variant Classification Summary - May 2015. Collection method: clinical testing. Allele origin: germline.
Comment: Variant summary: CDH23 c.7361C>T (p.Thr2454Met) results in a non-conservative amino acid change in the encoded protein sequence. Algorithms developed to predict the effect of missense changes on protein structure and function are either unavailable or do not agree on the potential impact of this missense change. The variant allele was found at a frequency of 0.0001 in 249280 control chromosomes. This frequency is not significantly higher than estimated for a pathogenic variant in CDH23 causing Usher Syndrome (0.0001 vs 0.0032), allowing no conclusion about variant significance. c.7361C>T has been observed in at least two individual with nonsyndromic hearing loss (example: Jung_2017, Cesca_2020). These data do not allow any conclusion about variant significance. To our knowledge, no experimental evidence demonstrating an impact on protein function has been reported. The following publications have been ascertained in the context of this evaluation (PMID: 32467589, 28383030). ClinVar contains an entry for this variant (Variation ID: 930067). Based on the evidence outlined above, the variant was classified as uncertain significance.

Labcorp Genetics (formerly Invitae), Labcorp
Classification: Uncertain significance. Last evaluated: 2024-10-22. Review status: criteria provided, single submitter. Criteria: Invitae Variant Classification Sherloc (09022015). Collection method: clinical testing. Allele origin: germline.
Comment: This sequence change replaces threonine, which is neutral and polar, with methionine, which is neutral and non-polar, at codon 2454 of the CDH23 protein (p.Thr2454Met). This variant is present in population databases (rs772949926, gnomAD 0.03%). This missense change has been observed in individual(s) with congenital deafness (PMID: 28383030, 32467589). ClinVar contains an entry for this variant (Variation ID: 930067). Experimental studies and prediction algorithms are not available or were not evaluated, and the functional significance of this variant is currently unknown. In summary, the available evidence is currently insufficient to determine the role of this variant in disease. Therefore, it has been classified as a Variant of Uncertain Significance.

Blueprint Genetics
Classification: Uncertain significance. Last evaluated: 2024-07-03. Review status: criteria provided, single submitter. Criteria: ACMG Guidelines, 2015. Collection method: clinical testing. Allele origin: germline.

GeneDx
Classification: Uncertain significance. Last evaluated: 2024-04-25. Review status: criteria provided, single submitter. Criteria: GeneDx Variant Classification Process June 2021. Collection method: clinical testing. Allele origin: germline. Affected: yes.
Comment: In silico analysis supports that this missense variant has a deleterious effect on protein structure/function; Identified in patients with sensorineural hearing loss in published literature (PMID: 32467589, 28383030); This variant is associated with the following publications: (PMID: 34426522, 32467589, 28383030)

Laboratory for Molecular Medicine, Mass General Brigham Personalized Medicine
Classification: Uncertain significance. Last evaluated: 2019-05-22. Review status: criteria provided, single submitter. Criteria: LMM Criteria. Collection method: clinical testing. Allele origin: germline. Observed: 1 variant allele.
Comment: The p.Thr2454Met variant in CDH23 has been previously identified in 1 patient with hearing loss who harbored another CDH23 variant in trans (Jung 2017). The p.Thr2454Met variant has been identified in 0.03% (10/30602) of South Asian chromosomes by gnomAD. Computational prediction tools and conservation analysis suggest that this variant may impact the protein, though this information is not predictive enough to determine pathogenicity. In summary, the clinical significance of this variant is uncertain. ACMG/AMP criteria applied: PM2_Supporting, PP3, PM3_Supporting.

Natera, Inc.
Classification: Uncertain significance for Usher syndrome type 1. Last evaluated: 2020-01-21. Review status: no assertion criteria provided. Collection method: clinical testing. Allele origin: germline. Not counted in ClinVar's aggregate classification.

Literature cited by the submitters: PubMed 28383030 (cited by 3 submitters); PubMed 32467589 (cited by Women's Health and Genetics/Laboratory Corporation of America, LabCorp and Labcorp Genetics (formerly Invitae), Labcorp).

NM_022124.6(CDH23):c.7361C>T (p.Thr2454Met)

Gene: CDH23 (cadherin related 23; plus strand). Cytogenetic location: 10q22.1.
Variant type: single nucleotide variant.
Coding change: c.7361C>T on transcript NM_022124.6 (MANE Select); coding-DNA position 7361, C replaced by T.
Protein change: p.Thr2454Met; replaces threonine 2454 with methionine.
Molecular consequence: missense variant.
Genome position (GRCh38, 1-based): chr10:71,799,628, C>T. VCF-style: chr10-71799628-C-T. GRCh37 (hg19) VCF-style: chr10-73559385-C-T.
Other names: c.641C>T, p.Thr214Met (NM_001171933.1, NM_001171934.1); short protein forms T214M, T2454M.
Identifiers: ClinVar variation 930067 (VCV000930067.20), dbSNP rs772949926, ClinGen allele CA5546309.